The following is an entry in ClinVar:

NM_152617.4(RNF168):c.1128G>A (p.Glu376=)

Gene: RNF168 (ring finger protein 168; minus strand). Cytogenetic location: 3q29.
Variant type: single nucleotide variant.
Coding change: c.1128G>A on transcript NM_152617.4 (MANE Select); coding-DNA position 1128, G replaced by A.
Protein change: p.Glu376=; no amino-acid change (glutamic acid 376 retained).
Molecular consequence: synonymous variant.
Genome position (GRCh38, 1-based): chr3:196,472,407, C>T on the plus strand (G>A on the coding strand, the complement: RNF168 is on the minus strand). VCF-style: chr3-196472407-C-T. GRCh37 (hg19) VCF-style: chr3-196199278-C-T.
Other names: c.1128G>A (NM_152617.3).
Identifiers: ClinVar variation 1653024 (VCV001653024.11), dbSNP rs369829259, ClinGen allele CA2780726.

ClinVar aggregate classification (germline): Likely benign. Review status: criteria provided, multiple submitters, no conflicts (2 of 4 stars). 3 submissions from 3 submitters: Likely benign (2). 1 of the submissions does not count toward it. Last evaluated 2025-12-01.

Conditions:
RNF168-related disorder. Also called: RNF168-related condition.

Allele frequency attached by ClinVar (database versions not stated): gnomAD 0.00003; TOPMed 0.00005; ExAC 0.00006; gnomAD exomes 0.00006; ESP Exome Variant Server 0.00015.
gnomAD v4.1: 269 of 1,613,448 alleles (0.017%); highest among the groups gnomAD compares: Non-Finnish European, 0.022%; no homozygotes.

Submissions (3):

Labcorp Genetics (formerly Invitae), Labcorp
Classification: Likely benign. Last evaluated: 2025-12-01. Review status: criteria provided, single submitter. Criteria: Invitae Variant Classification Sherloc (09022015). Collection method: clinical testing. Allele origin: germline.

Blueprint Genetics
Classification: Likely benign. Last evaluated: 2024-07-10. Review status: criteria provided, single submitter. Criteria: ACMG Guidelines, 2015. Collection method: clinical testing. Allele origin: germline.

PreventionGenetics, part of Exact Sciences
Classification: Likely benign for RNF168-related condition. Last evaluated: 2019-09-25. Review status: no assertion criteria provided. Collection method: clinical testing. Allele origin: germline. Not counted in ClinVar's aggregate classification.
Comment: This variant is classified as likely benign based on ACMG/AMP sequence variant interpretation guidelines (Richards et al. 2015 PMID: 25741868, with internal and published modifications).